The following is an entry in ClinVar:

ClinVar aggregate classification (germline): Benign. Review status: criteria provided, single submitter (1 of 4 stars). 2 submissions from 2 submitters: Benign (1). 1 of the submissions does not count toward it. Last evaluated 2026-01-27.

Conditions:
WNT3A-related disorder. Also called: WNT3A-related condition.

Allele frequency attached by ClinVar (database versions not stated): gnomAD exomes 0.00034; ExAC 0.00064; ESP Exome Variant Server 0.00079; gnomAD 0.00115 and 0.00118; 1000 Genomes Project 0.00120; 1000 Genomes Project 30x 0.00125; TOPMed 0.00125.
gnomAD v4.1: 342 of 1,566,168 alleles (0.022%); highest among the groups gnomAD compares: African/African-American, 0.4%; 1 homozygote.

Submissions (2):

Labcorp Genetics (formerly Invitae), Labcorp
Classification: Benign. Last evaluated: 2026-01-27. Review status: criteria provided, single submitter. Criteria: Invitae Variant Classification Sherloc (09022015). Collection method: clinical testing. Allele origin: germline.

PreventionGenetics, part of Exact Sciences
Classification: Likely benign for WNT3A-related condition. Last evaluated: 2023-07-27. Review status: no assertion criteria provided. Collection method: clinical testing. Allele origin: germline. Not counted in ClinVar's aggregate classification.
Comment: This variant is classified as likely benign based on ACMG/AMP sequence variant interpretation guidelines (Richards et al. 2015 PMID: 25741868, with internal and published modifications).

NM_033131.4(WNT3A):c.936C>T (p.Cys312=)

Gene: WNT3A (Wnt family member 3A; plus strand). Cytogenetic location: 1q42.13.
Variant type: single nucleotide variant.
Coding change: c.936C>T on transcript NM_033131.4 (MANE Select); coding-DNA position 936, C replaced by T.
Protein change: p.Cys312=; no amino-acid change (cysteine 312 retained).
Molecular consequence: synonymous variant.
Genome position (GRCh38, 1-based): chr1:228,059,342, C>T. VCF-style: chr1-228059342-C-T. GRCh37 (hg19) VCF-style: chr1-228247043-C-T.
Identifiers: ClinVar variation 722283 (VCV000722283.11), dbSNP rs79049155, ClinGen allele CA1429560.